The following is an entry in ClinVar:

NM_006922.4(SCN3A):c.3791T>G (p.Phe1264Cys)

Gene: SCN3A (sodium voltage-gated channel alpha subunit 3; minus strand). Cytogenetic location: 2q24.3.
Variant type: single nucleotide variant.
Coding change: c.3791T>G on transcript NM_006922.4 (MANE Select); coding-DNA position 3791, T replaced by G.
Protein change: p.Phe1264Cys; replaces phenylalanine 1264 with cysteine.
Molecular consequence: missense variant.
Genome position (GRCh38, 1-based): chr2:165,112,937, A>C on the plus strand (T>G on the coding strand, the complement: SCN3A is on the minus strand). VCF-style: chr2-165112937-A-C. GRCh37 (hg19) VCF-style: chr2-165969447-A-C.
Other names: c.3644T>G, p.Phe1215Cys (NM_001081677.2, NM_001081676.2); short protein forms F1215C, F1264C.
Identifiers: ClinVar variation 3662737 (VCV003662737.2).
Genomic context (GRCh38, chr2:165,112,937, plus strand): 5'-ATACTTACATCAACGATCAAGAAATCTAGCCAGCACCAGGCATTAGTGAAATATGTTTGA[A>C]ATCCATAAGCAACCCATTTGAGAAGCATTTCCAGAATGAATATATAGGTAAAGACTTTGT-3'
Protein context (NP_008853.3, residues 1254-1274): EMLLKWVAYG[Phe1264Cys]QTYFTNAWCW

ClinVar aggregate classification (germline): Uncertain significance (1 of 4 stars; one submission).

gnomAD v4.1: 1 of 1,613,648 alleles (0.000062%); highest among the groups gnomAD compares: Middle Eastern, 0.017%; no homozygotes.

Submission:

Labcorp Genetics (formerly Invitae), Labcorp
Classification: Uncertain significance. Last evaluated: 2024-08-18. Review status: criteria provided, single submitter. Criteria: Invitae Variant Classification Sherloc (09022015). Collection method: clinical testing. Allele origin: germline.
Comment: This sequence change replaces phenylalanine, which is neutral and non-polar, with cysteine, which is neutral and slightly polar, at codon 1264 of the SCN3A protein (p.Phe1264Cys). This variant is not present in population databases (gnomAD no frequency). This variant has not been reported in the literature in individuals affected with SCN3A-related conditions. Invitae Evidence Modeling of protein sequence and biophysical properties (such as structural, functional, and spatial information, amino acid conservation, physicochemical variation, residue mobility, and thermodynamic stability) has been performed for this missense variant. However, the output from this modeling did not meet the statistical confidence thresholds required to predict the impact of this variant on SCN3A protein function. In summary, the available evidence is currently insufficient to determine the role of this variant in disease. Therefore, it has been classified as a Variant of Uncertain Significance.